The following is an entry in ClinVar:

ClinVar aggregate classification (germline): Uncertain significance (1 of 4 stars; one submission).

Submission:

Labcorp Genetics (formerly Invitae), Labcorp
Classification: Uncertain significance. Last evaluated: 2020-02-22. Review status: criteria provided, single submitter. Criteria: Invitae Variant Classification Sherloc (09022015). Collection method: clinical testing. Allele origin: germline.
Comment: This variant has not been reported in the literature in individuals with COL9A1-related conditions. This variant is not present in population databases (ExAC no frequency). This sequence change replaces aspartic acid with histidine at codon 543 of the COL9A1 protein (p.Asp543His). The aspartic acid residue is highly conserved and there is a moderate physicochemical difference between aspartic acid and histidine. Algorithms developed to predict the effect of missense changes on protein structure and function (SIFT, PolyPhen-2, Align-GVGD) all suggest that this variant is likely to be disruptive, but these predictions have not been confirmed by published functional studies and their clinical significance is uncertain. In summary, the available evidence is currently insufficient to determine the role of this variant in disease. Therefore, it has been classified as a Variant of Uncertain Significance.

NM_001851.6(COL9A1):c.1627G>C (p.Asp543His)

Gene: COL9A1 (collagen type IX alpha 1 chain; minus strand). Cytogenetic location: 6q13.
Variant type: single nucleotide variant.
Coding change: c.1627G>C on transcript NM_001851.6 (MANE Select); coding-DNA position 1627, G replaced by C.
Protein change: p.Asp543His; replaces aspartic acid 543 with histidine.
Molecular consequence: missense variant. On other transcripts: non-coding transcript variant (1).
Genome position (GRCh38, 1-based): chr6:70,255,001, C>G on the plus strand (G>C on the coding strand, the complement: COL9A1 is on the minus strand). VCF-style: chr6-70255001-C-G. GRCh37 (hg19) VCF-style: chr6-70964704-C-G.
Other names: c.898G>C, p.Asp300His (NM_001377289.1, NM_001377290.1, NM_078485.4); short protein forms D543H, D300H.
Identifiers: ClinVar variation 969893 (VCV000969893.9), dbSNP rs1771186677, ClinGen allele CA364677750.